The following is an entry in ClinVar:

NM_000718.4(CACNA1B):c.5193G>A (p.Arg1731=)

Gene: CACNA1B (calcium voltage-gated channel subunit alpha1 B; plus strand). Cytogenetic location: 9q34.3.
Variant type: single nucleotide variant.
Coding change: c.5193G>A on transcript NM_000718.4 (MANE Select); coding-DNA position 5193, G replaced by A.
Protein change: p.Arg1731=; no amino-acid change (arginine 1731 retained).
Molecular consequence: synonymous variant.
Genome position (GRCh38, 1-based): chr9:138,096,582, G>A. VCF-style: chr9-138096582-G-A. GRCh37 (hg19) VCF-style: chr9-140991034-G-A.
Other names: c.5193G>A, p.Arg1731= (NM_001243812.2).
Identifiers: ClinVar variation 3239072 (VCV003239072.19), dbSNP rs199602192.
Genomic context (GRCh38, chr9:138,096,582, plus strand): 5'-TGAGTACCTCACGCGGGACTCTTCCATCCTAGGTCCTCACCACTTGGATGAGTTCATCCG[G>A]GTCTGGGCTGAATACGACCCGGCTGCGTGGTAAGTGAGCCGTGGTGCTCTGTGGTCCTTG-3'
Protein context (NP_000709.1, residues 1721-1741): LGPHHLDEFI[Arg1731=]VWAEYDPAAC

ClinVar aggregate classification (germline): Likely benign (1 of 4 stars; one submission).

gnomAD v4.1: 6 of 1,612,904 alleles (0.00037%); highest among the groups gnomAD compares: Non-Finnish European, 0.00051%; no homozygotes.

Submission:

CeGaT Center for Human Genetics Tuebingen
Classification: Likely benign. Last evaluated: 2024-05-01. Review status: criteria provided, single submitter. Criteria: CeGaT Center For Human Genetics Tuebingen Variant Classification Criteria Version 2. Collection method: clinical testing. Allele origin: germline. Affected: yes. Observed: 1 variant allele.
Comment: CACNA1B: PM2:Supporting, BP4, BP7